The following is an entry in ClinVar:

ClinVar aggregate classification (germline): Uncertain significance (1 of 4 stars; one submission).

Conditions:
Cataract 14 multiple types. Also called: CATARACT 14, ZONULAR PULVERULENT; CATARACT 14, NUCLEAR PULVERULENT; CATARACT 14, NUCLEAR PULVERULENT AND POSTERIOR POLAR; CATARACT 14, NUCLEAR CORALLIFORM; CATARACT 14, EMBRYONAL NUCLEAR; CATARACT 14, COPPOCK-LIKE. Identifiers: Orphanet 91492, MedGen C1866078, MONDO:0011162, OMIM 601885.

Submission:

Labcorp Genetics (formerly Invitae), Labcorp
Classification: Uncertain significance for Cataract 14 multiple types. Last evaluated: 2022-10-15. Review status: criteria provided, single submitter. Criteria: Invitae Variant Classification Sherloc (09022015). Collection method: clinical testing. Allele origin: germline.
Comment: This variant is not present in population databases (gnomAD no frequency). This variant has not been reported in the literature in individuals affected with GJA3-related conditions. Advanced modeling of protein sequence and biophysical properties (such as structural, functional, and spatial information, amino acid conservation, physicochemical variation, residue mobility, and thermodynamic stability) performed at Invitae indicates that this missense variant is expected to disrupt GJA3 protein function. This sequence change replaces glycine, which is neutral and non-polar, with cysteine, which is neutral and slightly polar, at codon 46 of the GJA3 protein (p.Gly46Cys). In summary, the available evidence is currently insufficient to determine the role of this variant in disease. Therefore, it has been classified as a Variant of Uncertain Significance.

NM_021954.4(GJA3):c.136G>T (p.Gly46Cys)

Gene: GJA3 (gap junction protein alpha 3; minus strand). Cytogenetic location: 13q12.11.
Variant type: single nucleotide variant.
Coding change: c.136G>T on transcript NM_021954.4 (MANE Select); coding-DNA position 136, G replaced by T.
Protein change: p.Gly46Cys; replaces glycine 46 with cysteine.
Molecular consequence: missense variant.
Genome position (GRCh38, 1-based): chr13:20,143,153, C>A on the plus strand (G>T on the coding strand, the complement: GJA3 is on the minus strand). VCF-style: chr13-20143153-C-A. GRCh37 (hg19) VCF-style: chr13-20717292-C-A.
Other names: short protein forms G46C.
Identifiers: ClinVar variation 1721678 (VCV001721678.5), dbSNP rs2500174149, ClinGen allele CA387465602.